The following is an entry in ClinVar:

NM_000081.4(LYST):c.7690G>A (p.Ala2564Thr)

Gene: LYST (lysosomal trafficking regulator; minus strand). Cytogenetic location: 1q42.3.
Variant type: single nucleotide variant.
Coding change: c.7690G>A on transcript NM_000081.4 (MANE Select); coding-DNA position 7690, G replaced by A.
Protein change: p.Ala2564Thr; replaces alanine 2564 with threonine.
Molecular consequence: missense variant.
Genome position (GRCh38, 1-based): chr1:235,751,300, C>T on the plus strand (G>A on the coding strand, the complement: LYST is on the minus strand). VCF-style: chr1-235751300-C-T. GRCh37 (hg19) VCF-style: chr1-235914600-C-T.
Other names: c.7690G>A (NM_000081.2); c.7690G>A, p.Ala2564Thr (NM_001301365.1); short protein forms A2564T.
Identifiers: ClinVar variation 1356549 (VCV001356549.9), dbSNP rs759733310, ClinGen allele CA1466070.

ClinVar aggregate classification (germline): Uncertain significance. Review status: criteria provided, multiple submitters, no conflicts (2 of 4 stars). 3 submissions from 3 submitters: Uncertain significance (3). Last evaluated 2022-08-08.

Conditions:
Chédiak-Higashi syndrome (CHS). Also called: Chediak-Higashi Syndrome. Identifiers: Orphanet 167, MedGen C0007965, MONDO:0008963, OMIM 214500.
Inborn genetic diseases. Identifiers: MedGen C0950123, MeSH D030342.
Autoinflammatory syndrome. Identifiers: Orphanet 93665, MedGen C3890737, MONDO:0019751.

Allele frequency attached by ClinVar (database versions not stated): gnomAD exomes below 0.00001 and 0.00001; ExAC 0.00001; TOPMed 0.00002; gnomAD 0.00003 and 0.00004.
gnomAD v4.1: 13 of 1,613,158 alleles (0.00081%); highest among the groups gnomAD compares: African/African-American, 0.0067%; no homozygotes.

Submissions (3):

Ambry Genetics
Classification: Uncertain significance for Inborn genetic diseases. Last evaluated: 2022-08-08. Review status: criteria provided, single submitter. Criteria: Ambry Variant Classification Scheme 2023. Collection method: clinical testing. Allele origin: germline.

Labcorp Genetics (formerly Invitae), Labcorp
Classification: Uncertain significance for Chédiak-Higashi syndrome. Last evaluated: 2022-07-26. Review status: criteria provided, single submitter. Criteria: Invitae Variant Classification Sherloc (09022015). Collection method: clinical testing. Allele origin: germline.
Comment: This sequence change replaces alanine, which is neutral and non-polar, with threonine, which is neutral and polar, at codon 2564 of the LYST protein (p.Ala2564Thr). This variant is present in population databases (rs759733310, gnomAD 0.003%). This variant has not been reported in the literature in individuals affected with LYST-related conditions. ClinVar contains an entry for this variant (Variation ID: 1356549). Algorithms developed to predict the effect of missense changes on protein structure and function are either unavailable or do not agree on the potential impact of this missense change (SIFT: "Tolerated"; PolyPhen-2: "Probably Damaging"; Align-GVGD: "Class C0"). In summary, the available evidence is currently insufficient to determine the role of this variant in disease. Therefore, it has been classified as a Variant of Uncertain Significance.

Genome Diagnostics Laboratory, The Hospital for Sick Children
Classification: Uncertain significance for Autoinflammatory syndrome. Last evaluated: 2019-12-01. Review status: criteria provided, single submitter. Criteria: ACMG Guidelines, 2015. Collection method: clinical testing. Allele origin: germline. Affected: yes.